The following is an entry in ClinVar:

ClinVar aggregate classification (germline): Uncertain significance (1 of 4 stars; one submission).

Conditions:
Hypoplastic left heart syndrome. Also called: Hypoplastic left ventricle; Hypoplastic left heart. Identifiers: Orphanet 2248, MedGen C0152101, MONDO:0004933, HP:0004383.

Submission:

Labcorp Genetics (formerly Invitae), Labcorp
Classification: Uncertain significance for Hypoplastic left heart syndrome. Last evaluated: 2024-07-16. Review status: criteria provided, single submitter. Criteria: Invitae Variant Classification Sherloc (09022015). Collection method: clinical testing. Allele origin: germline.
Comment: This sequence change replaces histidine, which is basic and polar, with proline, which is neutral and non-polar, at codon 15 of the HAND1 protein (p.His15Pro). This variant is not present in population databases (gnomAD no frequency). This variant has not been reported in the literature in individuals affected with HAND1-related conditions. An algorithm developed to predict the effect of missense changes on protein structure and function (PolyPhen-2) suggests that this variant is likely to be tolerated. In summary, the available evidence is currently insufficient to determine the role of this variant in disease. Therefore, it has been classified as a Variant of Uncertain Significance.

NM_004821.3(HAND1):c.44A>C (p.His15Pro)

Gene: HAND1 (heart and neural crest derivatives expressed 1; minus strand). Cytogenetic location: 5q33.2.
Variant type: single nucleotide variant.
Coding change: c.44A>C on transcript NM_004821.3 (MANE Select); coding-DNA position 44, A replaced by C.
Protein change: p.His15Pro; replaces histidine 15 with proline.
Molecular consequence: missense variant.
Genome position (GRCh38, 1-based): chr5:154,477,965, T>G on the plus strand (A>C on the coding strand, the complement: HAND1 is on the minus strand). VCF-style: chr5-154477965-T-G. GRCh37 (hg19) VCF-style: chr5-153857525-T-G.
Other names: short protein forms H15P.
Identifiers: ClinVar variation 3718057 (VCV003718057.2).
Genomic context (GRCh38, chr5:154,477,965, plus strand): 5'-CAGCGCGAGGCCGGACCGAAGAGGAAGGGTTCGTGGAGCATGGGGTGCGCAGGGTGCGGG[T>G]GGTGATGGTGGTGATGGTGTGCGTAGCTGCCCACGAGGTTCATGTTGGAGCGGCTACTGG-3'
Protein context (NP_004812.1, residues 5-25): GSYAHHHHHH[His15Pro]PHPAHPMLHE